The following is an entry in ClinVar:

ClinVar aggregate classification (germline): Uncertain significance. Review status: criteria provided, multiple submitters, no conflicts (2 of 4 stars). 3 submissions from 3 submitters: Uncertain significance (2). 1 of the submissions does not count toward it. Last evaluated 2025-01-27.

Conditions:
Inborn genetic diseases. Identifiers: MedGen C0950123, MeSH D030342.
RAI1-related disorder. Also called: RAI1-related condition.

Allele frequency attached by ClinVar (database versions not stated): TOPMed below 0.00001; ExAC 0.00001; gnomAD 0.00001; gnomAD exomes 0.00001.
gnomAD v4.1: 23 of 1,613,856 alleles (0.0014%); highest among the groups gnomAD compares: South Asian, 0.0022%; no homozygotes.

Submissions (3):

Ambry Genetics
Classification: Uncertain significance for Inborn genetic diseases. Last evaluated: 2025-01-27. Review status: criteria provided, single submitter. Criteria: Ambry Variant Classification Scheme 2023. Collection method: clinical testing. Allele origin: germline.

Labcorp Genetics (formerly Invitae), Labcorp
Classification: Uncertain significance. Last evaluated: 2023-11-24. Review status: criteria provided, single submitter. Criteria: Invitae Variant Classification Sherloc (09022015). Collection method: clinical testing. Allele origin: germline.
Comment: This sequence change replaces proline, which is neutral and non-polar, with leucine, which is neutral and non-polar, at codon 1660 of the RAI1 protein (p.Pro1660Leu). This variant is present in population databases (rs772117890, gnomAD 0.003%). This variant has not been reported in the literature in individuals affected with RAI1-related conditions. Advanced modeling of protein sequence and biophysical properties (such as structural, functional, and spatial information, amino acid conservation, physicochemical variation, residue mobility, and thermodynamic stability) performed at Invitae indicates that this missense variant is not expected to disrupt RAI1 protein function with a negative predictive value of 80%. In summary, the available evidence is currently insufficient to determine the role of this variant in disease. Therefore, it has been classified as a Variant of Uncertain Significance.

PreventionGenetics, part of Exact Sciences
Classification: Uncertain significance for RAI1-related condition. Last evaluated: 2024-07-21. Review status: no assertion criteria provided. Collection method: clinical testing. Allele origin: germline. Not counted in ClinVar's aggregate classification.
Comment: The RAI1 c.4979C>T variant is predicted to result in the amino acid substitution p.Pro1660Leu. To our knowledge, this variant has not been reported in the literature. This variant is reported in 0.0033% of alleles in individuals of South Asian descent in gnomAD. At this time, the clinical significance of this variant is uncertain due to the absence of conclusive functional and genetic evidence.

NM_030665.4(RAI1):c.4979C>T (p.Pro1660Leu)

Gene: RAI1 (retinoic acid induced 1; plus strand). Cytogenetic location: 17p11.2.
Variant type: single nucleotide variant.
Coding change: c.4979C>T on transcript NM_030665.4 (MANE Select); coding-DNA position 4979, C replaced by T.
Protein change: p.Pro1660Leu; replaces proline 1660 with leucine.
Molecular consequence: missense variant.
Genome position (GRCh38, 1-based): chr17:17,797,927, C>T. VCF-style: chr17-17797927-C-T. GRCh37 (hg19) VCF-style: chr17-17701241-C-T.
Other names: c.4979C>T (NM_030665.3); short protein forms P1660L.
Identifiers: ClinVar variation 2728962 (VCV002728962.5), dbSNP rs772117890, ClinGen allele CA8419077.